The following is an entry in ClinVar:

NM_000455.5(STK11):c.735-10C>T

Gene: STK11 (serine/threonine kinase 11; plus strand). Cytogenetic location: 19p13.3.
Variant type: single nucleotide variant.
Coding change: c.735-10C>T on transcript NM_000455.5 (MANE Select); 10 bases into the intron before coding-DNA position 735, C replaced by T.
Molecular consequence: intron variant.
Genome position (GRCh38, 1-based): chr19:1,221,203, C>T. VCF-style: chr19-1221203-C-T. GRCh37 (hg19) VCF-style: chr19-1221202-C-T.
Identifiers: ClinVar variation 412543 (VCV000412543.24), dbSNP rs553975112, ClinGen allele CA9039457.
Genomic context (GRCh38, chr19:1,221,203, plus strand): 5'-AGAGCTGGGGCTCCTAGGGCGTCAACCACCTTGACTGACCACGCCTTTCTTCCCTCCCCT[C>T]GAAATGAAGCTACAACATCACCACGGGTCTGTACCCCTTCGAAGGGGACAACATCTACAA-3'

ClinVar aggregate classification (germline): Benign/Likely benign. Review status: criteria provided, multiple submitters, no conflicts (2 of 4 stars). 9 submissions from 9 submitters: Benign (3); Likely benign (5). 1 of the submissions does not count toward it. Last evaluated 2026-01-27.

Conditions:
Hereditary cancer-predisposing syndrome. Also called: Hereditary neoplastic syndrome; Neoplastic Syndromes, Hereditary; Tumor predisposition; Hereditary Cancer Syndrome. Identifiers: Orphanet 140162, MedGen C0027672, MeSH D009386, MONDO:0015356.
Peutz-Jeghers syndrome (PJS). Also called: POLYPOSIS, HAMARTOMATOUS INTESTINAL; POLYPS-AND-SPOTS SYNDROME; Peutz-Jeghers polyposis; Periorificial lentiginosis syndrome. Identifiers: Orphanet 2869, MedGen C0031269, MeSH D010580, MONDO:0008280, OMIM 175200.
Malignant tumor of breast. Also called: Cancer breast; Malignant breast neoplasm. Identifiers: MedGen C0006142, MONDO:0007254. Disease mechanism: loss of function.

Allele frequency attached by ClinVar (database versions not stated): ExAC 0.00002; gnomAD 0.00002; 1000 Genomes Project 0.00020.
gnomAD v4.1: 25 of 1,611,456 alleles (0.0016%); highest among the groups gnomAD compares: East Asian, 0.04%; no homozygotes.

Submissions (9):

Labcorp Genetics (formerly Invitae), Labcorp
Classification: Likely benign for Peutz-Jeghers syndrome. Last evaluated: 2026-01-27. Review status: criteria provided, single submitter. Criteria: Invitae Variant Classification Sherloc (09022015). Collection method: clinical testing. Allele origin: germline.

Women's Health and Genetics/Laboratory Corporation of America, LabCorp
Classification: Benign. Last evaluated: 2025-10-14. Review status: criteria provided, single submitter. Criteria: LabCorp Variant Classification Summary - May 2015. Collection method: clinical testing. Allele origin: germline.
Comment: Variant summary: STK11 c.735-10C>T alters a nucleotide located at a position not widely known to affect splicing. Consensus agreement among computation tools predict no significant impact on normal splicing. However, these predictions have yet to be confirmed by functional studies. The variant allele was found at a frequency of 1.6e-05 in 1611456 control chromosomes, predominantly at a frequency of 0.0004 within the East Asian subpopulation in the gnomAD database. The observed variant frequency within East Asian control individuals in the gnomAD database exceeds the estimated maximal expected allele frequency for disease-causing variants in STK11. To our knowledge, no occurrence of c.735-10C>T in individuals affected with STK11-related conditions and no experimental evidence demonstrating its impact on protein function have been reported. ClinVar contains an entry for this variant (Variation ID: 412543). Based on the evidence outlined above, the variant was classified as benign.

Myriad Genetics, Inc.
Classification: Likely benign for Peutz-Jeghers syndrome. Last evaluated: 2025-03-27. Review status: criteria provided, single submitter. Criteria: Myriad Autosomal Dominant, Autosomal Recessive and X-Linked Classification Criteria (2023). Collection method: clinical testing. Allele origin: unknown.
Comment: This variant is considered likely benign. This variant is intronic and is not expected to impact mRNA splicing.

All of Us Research Program, National Institutes of Health
Classification: Likely benign for Peutz-Jeghers syndrome. Last evaluated: 2023-04-03. Review status: criteria provided, single submitter. Criteria: ACMG Guidelines, 2015. Collection method: clinical testing. Allele origin: germline. Inheritance: Autosomal dominant inheritance. Observed: 1 variant allele, 1 heterozygote.
Comment: This study involves interpretation of variants in research participants for the purpose of population health screening. Participant phenotype was not available at the time of variant classification. Additional details can be found in publication PMID: 35346344, PMCID: PMC8962531

Genome-Nilou Lab
Classification: Likely benign for Peutz-Jeghers syndrome. Last evaluated: 2021-07-15. Review status: criteria provided, single submitter. Criteria: ACMG Guidelines, 2015. Collection method: clinical testing. Allele origin: germline. Affected: no.

Sema4
Classification: Benign for Hereditary cancer-predisposing syndrome. Last evaluated: 2021-05-28. Review status: criteria provided, single submitter. Criteria: Sema4 Curation Guidelines. Collection method: curation. Allele origin: germline.

Quest Diagnostics Nichols Institute San Juan Capistrano
Classification: Benign. Last evaluated: 2018-12-27. Review status: criteria provided, single submitter. Criteria: Quest Diagnostics criteria. Collection method: clinical testing. Allele origin: germline.

Color Diagnostics, LLC DBA Color Health
Classification: Likely benign for Hereditary cancer-predisposing syndrome. Last evaluated: 2017-11-26. Review status: criteria provided, single submitter. Criteria: ACMG Guidelines, 2015. Collection method: clinical testing. Allele origin: germline.

Department of Pathology and Laboratory Medicine, Sinai Health System
Classification: Likely benign for Malignant tumor of breast. Review status: no assertion criteria provided. Collection method: clinical testing. Allele origin: unknown. Affected: yes. Study: The Canadian Open Genetics Repository (COGR). Not counted in ClinVar's aggregate classification.
Comment: The STK11 c.735-10C>T variant was not identified in the literature nor was it identified in the LOVD 3.0 database. The variant was identified in dbSNP (ID: rs553975112) as â€šÃ„ÃºWith Likely benign alleleâ€šÃ„Ã¹ and ClinVar (classified as likely benign by Invitae and Color). The variant was identified in control databases in 5 of 245208 chromosomes at a frequency of 0.00002 (Genome Aggregation Database Feb 27, 2017). The variant was observed in the following populations: East Asian in 3 of 17232 chromosomes (freq: 0.0002, increasing the chances that this is a low frequency benign variant), European Non-Finnish in 1 of 111040 chromosomes (freq: 0.000009), and European Finnish in 1 of 22288 chromosomes (freq: 0.00005), while it was not observed in the African, Other, Latino, Ashkenazi Jewish, or South Asian populations. The c.735-10C>T variant is located in the 3' splice region but does not affect the invariant -1 and -2 positions, although positions -3 and -5 to -12 are part of the splicing consensus sequence and variants involving these positions sometimes affect splicing. However, in silico or computational prediction software programs (SpliceSiteFinder, MaxEntScan, NNSPLICE, GeneSplicer) do not predict a difference in splicing. In summary, based on the above information, the clinical significance of this variant cannot be determined with certainty at this time although we would lean towards a more benign role for this variant. This variant is classified as likely benign.